The following is an entry in ClinVar:

ClinVar aggregate classification (germline): Uncertain significance (1 of 4 stars; one submission).

Allele frequency attached by ClinVar (database versions not stated): gnomAD exomes below 0.00001; TOPMed 0.00001.
gnomAD v4.1: 2 of 1,204,621 alleles (0.00017%); highest among the groups gnomAD compares: East Asian, 0.003%; no homozygotes.

Submission:

GeneDx
Classification: Uncertain significance. Last evaluated: 2023-01-03. Review status: criteria provided, single submitter. Criteria: GeneDx Variant Classification Process June 2021. Collection method: clinical testing. Allele origin: germline. Affected: yes.
Comment: Not observed at significant frequency in large population cohorts (gnomAD); In silico analysis supports that this missense variant does not alter protein structure/function; Has not been previously published as pathogenic or benign to our knowledge; Variants in candidate genes are classified as variants of uncertain significance in accordance with ACMG guidelines (Richards et al., 2015)

NM_201599.3(ZMYM3):c.137C>T (p.Ala46Val)

Gene: ZMYM3 (zinc finger MYM-type containing 3; minus strand). Cytogenetic location: Xq13.1.
Variant type: single nucleotide variant.
Coding change: c.137C>T on transcript NM_201599.3 (MANE Select); coding-DNA position 137, C replaced by T.
Protein change: p.Ala46Val; replaces alanine 46 with valine.
Molecular consequence: missense variant.
Genome position (GRCh38, 1-based): chrX:71,253,119, G>A on the plus strand (C>T on the coding strand, the complement: ZMYM3 is on the minus strand). VCF-style: chrX-71253119-G-A. GRCh37 (hg19) VCF-style: chrX-70472969-G-A.
Other names: c.137C>T, p.Ala46Val (NM_001171162.1, NM_001171163.1, NM_005096.3); short protein forms A46V.
Identifiers: ClinVar variation 2507381 (VCV002507381.1), dbSNP rs1291564875, ClinGen allele CA413530552.